The following is an entry in ClinVar:

ClinVar aggregate classification (germline): Uncertain significance. Review status: criteria provided, multiple submitters, no conflicts (2 of 4 stars). 2 submissions from 2 submitters: Uncertain significance (2). Last evaluated 2024-08-28.

Allele frequency attached by ClinVar (database versions not stated): gnomAD exomes below 0.00001; gnomAD 0.00001.
gnomAD v4.1: 8 of 1,611,726 alleles (0.0005%); highest among the groups gnomAD compares: East Asian, 0.0089%; no homozygotes.

Submissions (2):

Labcorp Genetics (formerly Invitae), Labcorp
Classification: Uncertain significance. Last evaluated: 2024-08-28. Review status: criteria provided, single submitter. Criteria: Invitae Variant Classification Sherloc (09022015). Collection method: clinical testing. Allele origin: germline.
Comment: This sequence change replaces asparagine, which is neutral and polar, with tyrosine, which is neutral and polar, at codon 49 of the RINT1 protein (p.Asn49Tyr). This variant is not present in population databases (gnomAD no frequency). This variant has not been reported in the literature in individuals affected with RINT1-related conditions. ClinVar contains an entry for this variant (Variation ID: 1773117). An algorithm developed to predict the effect of missense changes on protein structure and function (PolyPhen-2) suggests that this variant is likely to be tolerated. In summary, the available evidence is currently insufficient to determine the role of this variant in disease. Therefore, it has been classified as a Variant of Uncertain Significance.

Ambry Genetics
Classification: Uncertain significance. Last evaluated: 2024-05-31. Review status: criteria provided, single submitter. Criteria: Ambry Variant Classification Scheme 2023. Collection method: clinical testing. Allele origin: germline.
Comment: The p.N49Y variant (also known as c.145A>T), located in coding exon 3 of the RINT1 gene, results from an A to T substitution at nucleotide position 145. The asparagine at codon 49 is replaced by tyrosine, an amino acid with dissimilar properties. This amino acid position is conserved. In addition, this alteration is predicted to be tolerated by in silico analysis. Since supporting evidence is limited at this time, the clinical significance of this alteration remains unclear.

NM_021930.6(RINT1):c.145A>T (p.Asn49Tyr)

Gene: RINT1 (RAD50 interactor 1; plus strand). Cytogenetic location: 7q22.3.
Variant type: single nucleotide variant.
Coding change: c.145A>T on transcript NM_021930.6 (MANE Select); coding-DNA position 145, A replaced by T.
Protein change: p.Asn49Tyr; replaces asparagine 49 with tyrosine.
Molecular consequence: missense variant. On other transcripts: 5 prime UTR variant (3), non-coding transcript variant (1), intron variant (1).
Genome position (GRCh38, 1-based): chr7:105,536,621, A>T. VCF-style: chr7-105536621-A-T. GRCh37 (hg19) VCF-style: chr7-105177068-A-T.
Other names: c.-875A>T (NM_001346600.2); c.-778A>T (NM_001346601.2); c.-398A>T (NM_001346603.2); c.39+9A>T (NM_001346599.2); short protein forms N49Y.
Identifiers: ClinVar variation 1773117 (VCV001773117.5), dbSNP rs1790246491, ClinGen allele CA368800153.